The following is an entry in ClinVar:

ClinVar aggregate classification (germline): Uncertain significance (1 of 4 stars; one submission).

Conditions:
Brugada syndrome 8 (BRGDA8). Identifiers: Orphanet 130, MedGen C2751083, MONDO:0013148, OMIM 613123.

Submission:

Labcorp Genetics (formerly Invitae), Labcorp
Classification: Uncertain significance for Brugada syndrome 8. Last evaluated: 2022-07-03. Review status: criteria provided, single submitter. Criteria: Invitae Variant Classification Sherloc (09022015). Collection method: clinical testing. Allele origin: germline.
Comment: Experimental studies and prediction algorithms are not available or were not evaluated, and the functional significance of this variant is currently unknown. In summary, the available evidence is currently insufficient to determine the role of this variant in disease. Therefore, it has been classified as a Variant of Uncertain Significance. This variant has not been reported in the literature in individuals affected with HCN4-related conditions. This variant is not present in population databases (gnomAD no frequency). This sequence change creates a premature translational stop signal (p.Gly915Valfs*70) in the HCN4 gene. While this is not anticipated to result in nonsense mediated decay, it is expected to disrupt the last 289 amino acid(s) of the HCN4 protein.

NM_005477.3(HCN4):c.2744del (p.Gly915fs)

Gene: HCN4 (hyperpolarization activated cyclic nucleotide gated potassium channel 4; minus strand). Cytogenetic location: 15q24.1.
Variant type: Deletion.
Coding change: c.2744del on transcript NM_005477.3 (MANE Select); coding-DNA position 2744, one base deleted (G; older notation c.2744delG).
Protein change: p.Gly915fs; shifts the reading frame from glycine 915.
Molecular consequence: frameshift variant.
Genome position (GRCh38, 1-based): chr15:73,323,349, C deleted on the plus strand (G on the coding strand, the reverse complement: HCN4 is on the minus strand); the first of 3 consecutive C bases (chr15:73,323,349-73,323,351); deleting any one gives the same sequence. VCF-style (leftmost placement, unchanged base first): chr15-73323348-AC-A. GRCh37 (hg19) VCF-style: chr15-73615689-AC-A.
Other names: short protein forms G915fs.
Identifiers: ClinVar variation 2013419 (VCV002013419.4), dbSNP rs2549068637, ClinGen allele CA2580089981.